The following is an entry in ClinVar:

ClinVar aggregate classification (germline): Uncertain significance (1 of 4 stars; one submission).

Conditions:
Gorlin syndrome. Also called: Nevoid Basal Cell Carcinoma Syndrome; Basal cell nevus syndrome. Identifiers: Orphanet 377, MedGen C0004779, MONDO:0007187.

Submission:

Labcorp Genetics (formerly Invitae), Labcorp
Classification: Uncertain significance for Gorlin syndrome. Last evaluated: 2022-03-27. Review status: criteria provided, single submitter. Criteria: Invitae Variant Classification Sherloc (09022015). Collection method: clinical testing. Allele origin: germline.
Comment: This variant is not present in population databases (gnomAD no frequency). This sequence change replaces leucine, which is neutral and non-polar, with histidine, which is basic and polar, at codon 720 of the PTCH1 protein (p.Leu720His). In summary, the available evidence is currently insufficient to determine the role of this variant in disease. Therefore, it has been classified as a Variant of Uncertain Significance. Advanced modeling of protein sequence and biophysical properties (such as structural, functional, and spatial information, amino acid conservation, physicochemical variation, residue mobility, and thermodynamic stability) performed at Invitae indicates that this missense variant is not expected to disrupt PTCH1 protein function. This variant has not been reported in the literature in individuals affected with PTCH1-related conditions.

NM_000264.5(PTCH1):c.2159T>A (p.Leu720His)

Genes: PTCH1 (patched 1; minus strand), LOC100507346 (uncharacterized LOC100507346; plus strand). Cytogenetic location: 9q22.32.
Variant type: single nucleotide variant.
Coding change: c.2159T>A on transcript NM_000264.5 (MANE Select); coding-DNA position 2159, T replaced by A.
Protein change: p.Leu720His; replaces leucine 720 with histidine.
Molecular consequence: missense variant. On other transcripts: non-coding transcript variant (2).
Genome position (GRCh38, 1-based): chr9:95,468,842, A>T on the plus strand (T>A on the coding strand, the complement: PTCH1 is on the minus strand). VCF-style: chr9-95468842-A-T. GRCh37 (hg19) VCF-style: chr9-98231124-A-T.
Other names: c.1961T>A, p.Leu654His (NM_001083602.3); c.2156T>A, p.Leu719His (NM_001083603.3); c.1706T>A, p.Leu569His (NM_001083604.3, NM_001083605.3, NM_001083606.3 and 1 more transcripts); c.2003T>A, p.Leu668His (NM_001354918.2); short protein forms L569H, L654H, L720H, L668H, L719H.
Identifiers: ClinVar variation 2118289 (VCV002118289.4), dbSNP rs2118032201, ClinGen allele CA374115502.